The following is an entry in ClinVar:

NM_000702.4(ATP1A2):c.2520G>A (p.Lys840=)

Gene: ATP1A2 (ATPase Na+/K+ transporting subunit alpha 2; plus strand). Cytogenetic location: 1q23.2.
Variant type: single nucleotide variant.
Coding change: c.2520G>A on transcript NM_000702.4 (MANE Select); coding-DNA position 2520, G replaced by A.
Protein change: p.Lys840=; no amino-acid change (lysine 840 retained).
Molecular consequence: synonymous variant.
Genome position (GRCh38, 1-based): chr1:160,136,327, G>A. VCF-style: chr1-160136327-G-A. GRCh37 (hg19) VCF-style: chr1-160106117-G-A.
Identifiers: ClinVar variation 128482 (VCV000128482.27), dbSNP rs587780283, ClinGen allele CA230916.

ClinVar aggregate classification (germline): Conflicting classifications of pathogenicity. Review status: criteria provided, conflicting classifications (1 of 4 stars). 3 submissions from 3 submitters: Uncertain significance (1); Likely benign (2). Last evaluated 2026-07-01.

Conditions:
Familial hemiplegic migraine. Identifiers: MedGen C0338484, MONDO:0000700.

Allele frequency attached by ClinVar (database versions not stated): TOPMed 0.00002; ExAC 0.00003; gnomAD 0.00003; gnomAD exomes 0.00003 and 0.00004.
gnomAD v4.1: 48 of 1,614,072 alleles (0.003%); highest among the groups gnomAD compares: Non-Finnish European, 0.0038%; no homozygotes.

Submissions (3):

CeGaT Center for Human Genetics Tuebingen
Classification: Likely benign. Last evaluated: 2026-07-01. Review status: criteria provided, single submitter. Criteria: CeGaT Center For Human Genetics Tuebingen Variant Classification Criteria Version 2. Collection method: clinical testing. Allele origin: germline. Affected: yes. Observed: 2 variant alleles.
Comment: ATP1A2: BP4, BP7

Labcorp Genetics (formerly Invitae), Labcorp
Classification: Likely benign for Familial hemiplegic migraine. Last evaluated: 2025-07-30. Review status: criteria provided, single submitter. Criteria: Invitae Variant Classification Sherloc (09022015). Collection method: clinical testing. Allele origin: germline.

Genetic Services Laboratory, University of Chicago
Classification: Uncertain significance. Last evaluated: 2013-08-27. Review status: criteria provided, single submitter. Criteria: ACMG Guidelines, 2007. Collection method: clinical testing. Allele origin: germline. Inheritance: Autosomal dominant inheritance.